The following is an entry in ClinVar:

ClinVar aggregate classification (germline): Uncertain significance. Review status: criteria provided, multiple submitters, no conflicts (2 of 4 stars). 2 submissions from 2 submitters: Uncertain significance (2). Last evaluated 2024-10-16.

Conditions:
Autosomal recessive severe congenital neutropenia due to CSF3R deficiency. Also called: Neutropenia, severe congenital, 7, autosomal recessive. Identifiers: Orphanet 420702, MedGen C4310764, MONDO:0014865, OMIM 617014.

Submissions (2):

Labcorp Genetics (formerly Invitae), Labcorp
Classification: Uncertain significance for Autosomal recessive severe congenital neutropenia due to CSF3R deficiency. Last evaluated: 2024-10-16. Review status: criteria provided, single submitter. Criteria: Invitae Variant Classification Sherloc (09022015). Collection method: clinical testing. Allele origin: germline.
Comment: This sequence change replaces alanine, which is neutral and non-polar, with glycine, which is neutral and non-polar, at codon 12 of the CSF3R protein (p.Ala12Gly). This variant is not present in population databases (gnomAD no frequency). This variant has not been reported in the literature in individuals affected with CSF3R-related conditions. An algorithm developed to predict the effect of missense changes on protein structure and function (PolyPhen-2) suggests that this variant is likely to be tolerated. In summary, the available evidence is currently insufficient to determine the role of this variant in disease. Therefore, it has been classified as a Variant of Uncertain Significance.

Mayo Clinic Laboratories, Mayo Clinic
Classification: Uncertain significance. Last evaluated: 2024-03-27. Review status: criteria provided, single submitter. Criteria: ACMG Guidelines, 2015. Collection method: clinical testing. Allele origin: germline. Observed: 1 variant allele.
Comment: BP4, PM2

NM_000760.4(CSF3R):c.35C>G (p.Ala12Gly)

Gene: CSF3R (colony stimulating factor 3 receptor; minus strand). Cytogenetic location: 1p34.3.
Variant type: single nucleotide variant.
Coding change: c.35C>G on transcript NM_000760.4 (MANE Select); coding-DNA position 35, C replaced by G.
Protein change: p.Ala12Gly; replaces alanine 12 with glycine.
Molecular consequence: missense variant.
Genome position (GRCh38, 1-based): chr1:36,479,462, G>C on the plus strand (C>G on the coding strand, the complement: CSF3R is on the minus strand). VCF-style: chr1-36479462-G-C. GRCh37 (hg19) VCF-style: chr1-36945063-G-C.
Other names: p.Ala12Gly; c.35C>G, p.Ala12Gly (NM_172313.3, NM_156039.3); short protein forms A12G.
Identifiers: ClinVar variation 3379580 (VCV003379580.3).